The following is an entry in ClinVar:

ClinVar aggregate classification (germline): Likely pathogenic (1 of 4 stars; one submission).

Conditions:
Cardiovascular phenotype. Identifiers: MedGen CN230736.

Submission:

Ambry Genetics
Classification: Likely pathogenic for Cardiovascular phenotype. Last evaluated: 2017-02-14. Review status: criteria provided, single submitter. Criteria: Ambry Variant Classification Scheme 2023. Collection method: clinical testing. Allele origin: germline.
Comment: The p.G309V variant (also known as c.926G>T), located in coding exon 6 of the ACVRL1 gene, results from a G to T substitution at nucleotide position 926. The glycine at codon 309 is replaced by valine, an amino acid with dissimilar properties. This variant is anticipated to result in a significant decrease in structural stability. It has been reported in an individual with epistaxis, telangiectasias, and AVMs of the lung, liver, and pancreas (Chang SA, Heart Vessels 2011 Mar; 26(2):231-4). In addition, two alterations at the same codon (p.G309S and p.G309C) have been reported in individuals meeting Curacao diagnostic criteria for hereditary hemorrhagic telangiectasia (Letteboer TG, Hum. Genet. 2005 Jan; 116(1-2):8-16. Du J, J. Thromb. Thrombolysis 2015 Nov; 40(4):515-9; Lesca G, Hum. Mutat. 2006 Jun; 27(6):598). This amino acid position is highly conserved in available vertebrate species. In addition, this alteration is predicted to be deleterious by in silico analysis. Based on the majority of available evidence to date, this variant is likely to be pathogenic.

Literature cited by the submitters: PubMed 15517393; PubMed 16705692; PubMed 21132305; PubMed 26245826.

NM_000020.3(ACVRL1):c.926G>T (p.Gly309Val)

Gene: ACVRL1 (activin A receptor like type 1; plus strand). Cytogenetic location: 12q13.13.
Variant type: single nucleotide variant.
Coding change: c.926G>T on transcript NM_000020.3 (MANE Select); coding-DNA position 926, G replaced by T.
Protein change: p.Gly309Val; replaces glycine 309 with valine.
Molecular consequence: missense variant.
Genome position (GRCh38, 1-based): chr12:51,915,378, G>T. VCF-style: chr12-51915378-G-T. GRCh37 (hg19) VCF-style: chr12-52309162-G-T.
Other names: c.926G>T, p.Gly309Val (NM_001077401.2, NM_001406487.1, NM_001406488.1 and 1 more transcripts); c.614G>T, p.Gly205Val (NM_001406490.1, NM_001406491.1, NM_001406492.1 and 2 more transcripts); c.362G>T, p.Gly121Val (NM_001406495.1); short protein forms G121V, G205V, G309V.
Identifiers: ClinVar variation 1766395 (VCV001766395.2), dbSNP rs2540164531, ClinGen allele CA384901058.